The following is an entry in ClinVar:

ClinVar aggregate classification (germline): Likely pathogenic. Review status: criteria provided, single submitter (1 of 4 stars). 2 submissions from 2 submitters: Likely pathogenic (1). 1 of the submissions does not count toward it. Last evaluated 2024-10-18.

Conditions:
Bilateral frontoparietal polymicrogyria. Also called: CEREBELLAR ATAXIA WITH NEURONAL MIGRATION DEFECT; CORTICAL DYSPLASIA, COMPLEX, WITH OTHER BRAIN MALFORMATIONS 14A (BILATERAL FRONTOPARIETAL). Identifiers: Orphanet 101070, MedGen C1847352, MONDO:0011738, OMIM 606854.

Allele frequency attached by ClinVar (database versions not stated): gnomAD 0.00001.
gnomAD v4.1: 1 of 1,607,204 alleles (0.000062%); highest among the groups gnomAD compares: Middle Eastern, 0.017%; no homozygotes.

Submissions (2):

Women's Health and Genetics/Laboratory Corporation of America, LabCorp
Classification: Likely pathogenic for Bilateral frontoparietal polymicrogyria. Last evaluated: 2024-10-18. Review status: criteria provided, single submitter. Criteria: LabCorp Variant Classification Summary - May 2015. Collection method: clinical testing. Allele origin: germline.
Comment: Variant summary: ADGRG1 c.1036T>A (p.Cys346Ser) results in a non-conservative amino acid change located in the GAIN domain (Chang_2016) of the encoded protein sequence. Five of five in-silico tools predict a damaging effect of the variant on protein function. The variant was absent in 251488 control chromosomes (gnomAD). c.1036T>A has been reported in the literature in individuals affected with Polymicrogyria, Bilateral Frontoparietal, and this variant co-segregated with the disease (Piao_2004). These data indicate that the variant is likely to be associated with disease. At least one publication reports this variant had an impact on protein function (Chang_2016). The following publications have been ascertained in the context of this evaluation (PMID: 27184850, 37178061, 15044805). ClinVar contains an entry for this variant (Variation ID: 5830). Based on the evidence outlined above, the variant was classified as likely pathogenic.

OMIM
Classification: Pathogenic for CORTICAL DYSPLASIA, COMPLEX, WITH OTHER BRAIN MALFORMATIONS 14A (BILATERAL FRONTOPARIETAL). Last evaluated: 2004-03-26. Review status: no assertion criteria provided. Collection method: literature only. Allele origin: germline. Not counted in ClinVar's aggregate classification.

Literature cited by the submitters: PubMed 15044805 (cited by Women's Health and Genetics/Laboratory Corporation of America, LabCorp and OMIM); PubMed 27184850 (cited by Women's Health and Genetics/Laboratory Corporation of America, LabCorp); PubMed 37178061 (cited by Women's Health and Genetics/Laboratory Corporation of America, LabCorp).

NM_201525.4(ADGRG1):c.1036T>A (p.Cys346Ser)

Gene: ADGRG1 (adhesion G protein-coupled receptor G1; plus strand). Cytogenetic location: 16q21.
Variant type: single nucleotide variant.
Coding change: c.1036T>A on transcript NM_201525.4 (MANE Select); coding-DNA position 1036, T replaced by A.
Protein change: p.Cys346Ser; replaces cysteine 346 with serine.
Molecular consequence: missense variant.
Genome position (GRCh38, 1-based): chr16:57,656,244, T>A. VCF-style: chr16-57656244-T-A. GRCh37 (hg19) VCF-style: chr16-57690156-T-A.
Other names: c.1036T>A, p.Cys346Ser (NM_001145770.3, NM_001145771.3, NM_001145772.3 and 14 more transcripts); c.1051T>A, p.Cys351Ser (NM_001145773.3, NM_001370433.1); c.526T>A, p.Cys176Ser (NM_001290142.2); c.511T>A, p.Cys171Ser (NM_001290143.2, NM_001290144.2, NM_001370451.1 and 2 more transcripts); c.1033T>A, p.Cys345Ser (NM_001370434.1, NM_001370441.1); c.880T>A, p.Cys294Ser (NM_001370442.1); short protein forms C346S, C345S, C351S, C171S, C176S, C294S.
Identifiers: ClinVar variation 5830 (VCV000005830.4), dbSNP rs121908463, ClinGen allele CA253609.